The following is an entry in ClinVar:

NM_001110556.2(FLNA):c.4523C>T (p.Thr1508Ile)

Gene: FLNA (filamin A; minus strand). Cytogenetic location: Xq28.
Variant type: single nucleotide variant.
Coding change: c.4523C>T on transcript NM_001110556.2 (MANE Select); coding-DNA position 4523, C replaced by T.
Protein change: p.Thr1508Ile; replaces threonine 1508 with isoleucine.
Molecular consequence: missense variant.
Genome position (GRCh38, 1-based): chrX:154,358,520, G>A on the plus strand (C>T on the coding strand, the complement: FLNA is on the minus strand). VCF-style: chrX-154358520-G-A. GRCh37 (hg19) VCF-style: chrX-153586888-G-A.
Other names: c.4523C>T, p.Thr1508Ile (NM_001456.4); short protein forms T1508I.
Identifiers: ClinVar variation 2941421 (VCV002941421.3), dbSNP rs2522735905, ClinGen allele CA415215673.

ClinVar aggregate classification (germline): Uncertain significance (1 of 4 stars; one submission).

Conditions:
Oto-palato-digital syndrome, type II (OPD2). Also called: FACIOPALATOOSSEOUS SYNDROME; OPD II SYNDROME; Otopalatodigital Syndrome, Type II; Otopalatodigital Syndrome Type 2 (FLNA-OPD2). Identifiers: Orphanet 669, Orphanet 90652, MedGen C1844696, MONDO:0010571, OMIM 304120.
Heterotopia, periventricular, X-linked dominant (PVNH1). Also called: PERIVENTRICULAR NODULAR HETEROTOPIA 1; X-linked periventricular heterotopia; PERIVENTRICULAR NODULAR HETEROTOPIA 4; HETEROTOPIA, PERIVENTRICULAR, 1. Identifiers: Orphanet 2149, Orphanet 82004, MedGen C1848213, MONDO:0010233, OMIM 300049.
Frontometaphyseal dysplasia (FMD1). Identifiers: Orphanet 1826, MedGen C0265293, MONDO:0015942.
Melnick-Needles syndrome (MNS). Also called: MELNICK-NEEDLES OSTEODYSPLASTY; OSTEODYSPLASTY OF MELNICK AND NEEDLES; Melnick-Needles Syndrome (FLNA-MNS). Identifiers: Orphanet 2484, MedGen C0025237, MONDO:0010650, OMIM 309350.

Submission:

Labcorp Genetics (formerly Invitae), Labcorp
Classification: Uncertain significance for Oto-palato-digital syndrome, type II; Heterotopia, periventricular, X-linked dominant; Frontometaphyseal dysplasia; Melnick-Needles syndrome. Last evaluated: 2022-11-08. Review status: criteria provided, single submitter. Criteria: Invitae Variant Classification Sherloc (09022015). Collection method: clinical testing. Allele origin: germline.
Comment: In summary, the available evidence is currently insufficient to determine the role of this variant in disease. Therefore, it has been classified as a Variant of Uncertain Significance. Advanced modeling of protein sequence and biophysical properties (such as structural, functional, and spatial information, amino acid conservation, physicochemical variation, residue mobility, and thermodynamic stability) performed at Invitae indicates that this missense variant is not expected to disrupt FLNA protein function. This variant has not been reported in the literature in individuals affected with FLNA-related conditions. This variant is not present in population databases (gnomAD no frequency). This sequence change replaces threonine, which is neutral and polar, with isoleucine, which is neutral and non-polar, at codon 1508 of the FLNA protein (p.Thr1508Ile).